The following is an entry in ClinVar:

ClinVar aggregate classification (germline): Pathogenic (1 of 4 stars; one submission).

Submission:

Quest Diagnostics Nichols Institute San Juan Capistrano
Classification: Pathogenic. Last evaluated: 2022-10-04. Review status: criteria provided, single submitter. Criteria: ACMG/ClinGen CNV Guidelines, 2019. Collection method: clinical testing. Allele origin: unknown.
Comment: This loss is consistent with chromosome 2q37 deletion syndrome (OMIM 600430). Patients with chromosome 2q37 deletion syndrome show highly variable clinical manifestations (Aldred et al 2004 J. Med. Genet. 41: 433-439. PMID: 15173228; Williams et al. Am J Hum Genet. 2010. Aug 13;87(2):219-28 PMID: 20691407; Fisch et al. Am J Med Genet A. 2016 Sep; 170(9):2282-91. PMID: 27282419; Gavril et al., Genes (Basel). 2023 Feb 11;14(2):465. PMID: 36833393; Le et al., Am J Med Genet A. 2019 May;179(5):782-791. PMID: 30848064; Doherty and Lacbawan. GeneReviews: 2q37 Microdeletion Syndrome. Based on gene content and current medical literature, this copy number variant (CNV) is classified as pathogenic.

GRCh37/hg19 2q37.3(chr2:240076138-242783384)x1

Genes: DTYMK (deoxythymidylate kinase; minus strand), SNED1 (sushi, nidogen and EGF like domains 1; plus strand), DUSP28 (dual specificity phosphatase 28; plus strand), FARP2 (FERM, ARH/RhoGEF and pleckstrin domain protein 2; plus strand), PASK (PAS domain containing serine/threonine kinase; minus strand) and 31 more. Cytogenetic location: 2q37.3.
Variant type: copy number loss.
Change: copy number 1 (one copy instead of two) of chr2:240,076,138-242,783,384 (2.71 Mb, GRCh37 coordinates, 1-based), cytogenetic band 2q37.3.
Identifiers: ClinVar variation 562657 (VCV000562657.3).